The following is an entry in ClinVar:

NM_033026.6(PCLO):c.10709A>G (p.Glu3570Gly)

Gene: PCLO (piccolo presynaptic cytomatrix protein; minus strand). Cytogenetic location: 7q21.11.
Variant type: single nucleotide variant.
Coding change: c.10709A>G on transcript NM_033026.6 (MANE Select); coding-DNA position 10709, A replaced by G.
Protein change: p.Glu3570Gly; replaces glutamic acid 3570 with glycine.
Molecular consequence: missense variant.
Genome position (GRCh38, 1-based): chr7:82,949,879, T>C on the plus strand (A>G on the coding strand, the complement: PCLO is on the minus strand). VCF-style: chr7-82949879-T-C. GRCh37 (hg19) VCF-style: chr7-82579195-T-C.
Other names: c.10709A>G, p.Glu3570Gly (NM_014510.3); short protein forms E3570G.
Identifiers: ClinVar variation 1360178 (VCV001360178.8), dbSNP rs774598991, ClinGen allele CA4319695.

ClinVar aggregate classification (germline): Uncertain significance (1 of 4 stars; one submission).

Allele frequency attached by ClinVar (database versions not stated): gnomAD 0.00001; gnomAD exomes 0.00001; ExAC 0.00002; TOPMed 0.00003.
gnomAD v4.1: 6 of 1,613,656 alleles (0.00037%); highest among the groups gnomAD compares: African/African-American, 0.0053%; no homozygotes.

Submission:

Labcorp Genetics (formerly Invitae), Labcorp
Classification: Uncertain significance. Last evaluated: 2024-01-22. Review status: criteria provided, single submitter. Criteria: Invitae Variant Classification Sherloc (09022015). Collection method: clinical testing. Allele origin: germline.
Comment: This sequence change replaces glutamic acid, which is acidic and polar, with glycine, which is neutral and non-polar, at codon 3570 of the PCLO protein (p.Glu3570Gly). This variant is present in population databases (rs774598991, gnomAD 0.02%). This variant has not been reported in the literature in individuals affected with PCLO-related conditions. ClinVar contains an entry for this variant (Variation ID: 1360178). Experimental studies and prediction algorithms are not available or were not evaluated, and the functional significance of this variant is currently unknown. In summary, the available evidence is currently insufficient to determine the role of this variant in disease. Therefore, it has been classified as a Variant of Uncertain Significance.